The following is an entry in ClinVar:

ClinVar aggregate classification (germline): Likely pathogenic (1 of 4 stars; one submission).

Conditions:
Peters plus syndrome. Also called: KRAUSE-KIVLIN SYNDROME. Identifiers: Orphanet 709, MedGen C0796012, MONDO:0009856, OMIM 261540.

Submission:

Labcorp Genetics (formerly Invitae), Labcorp
Classification: Likely pathogenic for Peters plus syndrome. Last evaluated: 2022-07-30. Review status: criteria provided, single submitter. Criteria: Invitae Variant Classification Sherloc (09022015). Collection method: clinical testing. Allele origin: germline.
Comment: In summary, the currently available evidence indicates that the variant is pathogenic, but additional data are needed to prove that conclusively. Therefore, this variant has been classified as Likely Pathogenic. Algorithms developed to predict the effect of sequence changes on RNA splicing suggest that this variant may disrupt the consensus splice site. This variant has not been reported in the literature in individuals affected with B3GLCT-related conditions. This variant is not present in population databases (gnomAD no frequency). This sequence change affects an acceptor splice site in intron 10 of the B3GLCT gene. It is expected to disrupt RNA splicing. Variants that disrupt the donor or acceptor splice site typically lead to a loss of protein function (PMID: 16199547), and loss-of-function variants in B3GLCT are known to be pathogenic (PMID: 18798333, 23889335).

Literature cited by the submitters: PubMed 16199547; PubMed 18798333; PubMed 23889335.

NM_194318.4(B3GLCT):c.851-1G>T

Gene: B3GLCT (beta 3-glucosyltransferase; plus strand). Cytogenetic location: 13q12.3.
Variant type: single nucleotide variant.
Coding change: c.851-1G>T on transcript NM_194318.4 (MANE Select); the canonical splice acceptor site of the intron before coding-DNA position 851, G replaced by T.
Molecular consequence: splice acceptor variant.
Genome position (GRCh38, 1-based): chr13:31,284,647, G>T. VCF-style: chr13-31284647-G-T. GRCh37 (hg19) VCF-style: chr13-31858784-G-T.
Identifiers: ClinVar variation 2020769 (VCV002020769.4), dbSNP rs1873228351, ClinGen allele CA387724273.